The following is an entry in ClinVar:

ClinVar aggregate classification (germline): Uncertain significance (1 of 4 stars; one submission).

Conditions:
Nemaline myopathy 2 (NEM2). Also called: Nemaline myopathy 2, autosomal recessive. Identifiers: MedGen C1850569, MONDO:0009725, OMIM 256030.

Allele frequency attached by ClinVar (database versions not stated): gnomAD exomes below 0.00001; ExAC 0.00001.
gnomAD v4.1: 2 of 1,613,942 alleles (0.00012%); highest among the groups gnomAD compares: South Asian, 0.0011%; no homozygotes.

Submission:

Labcorp Genetics (formerly Invitae), Labcorp
Classification: Uncertain significance for Nemaline myopathy 2. Last evaluated: 2022-07-06. Review status: criteria provided, single submitter. Criteria: Invitae Variant Classification Sherloc (09022015). Collection method: clinical testing. Allele origin: germline.
Comment: This sequence change replaces isoleucine, which is neutral and non-polar, with threonine, which is neutral and polar, at codon 5823 of the NEB protein (p.Ile5823Thr). This variant is present in population databases (rs768866431, gnomAD 0.003%). This variant has not been reported in the literature in individuals affected with NEB-related conditions. ClinVar contains an entry for this variant (Variation ID: 1407175). Algorithms developed to predict the effect of missense changes on protein structure and function are either unavailable or do not agree on the potential impact of this missense change (SIFT: "Deleterious"; PolyPhen-2: "Not Available"; Align-GVGD: "Class C0"). In summary, the available evidence is currently insufficient to determine the role of this variant in disease. Therefore, it has been classified as a Variant of Uncertain Significance.

NM_001164508.2(NEB):c.17468T>C (p.Ile5823Thr)

Gene: NEB (nebulin; minus strand). Cytogenetic location: 2q23.3.
Variant type: single nucleotide variant.
Coding change: c.17468T>C on transcript NM_001164508.2 (MANE Select); coding-DNA position 17468, T replaced by C.
Protein change: p.Ile5823Thr; replaces isoleucine 5823 with threonine.
Molecular consequence: missense variant.
Genome position (GRCh38, 1-based): chr2:151,569,335, A>G on the plus strand (T>C on the coding strand, the complement: NEB is on the minus strand). VCF-style: chr2-151569335-A-G. GRCh37 (hg19) VCF-style: chr2-152425849-A-G.
Other names: c.17468T>C, p.Ile5823Thr (NM_001164507.2, NM_001271208.2); c.12365T>C, p.Ile4122Thr (NM_004543.5); short protein forms I5823T, I4122T.
Identifiers: ClinVar variation 1407175 (VCV001407175.5), dbSNP rs768866431, ClinGen allele CA1908204.
Genomic context (GRCh38, chr2:151,569,335, plus strand): 5'-AAGATGTCCGCGGCATGTTTGGCATGATTGACGGACACGGAGTCATTTGGCATCCACCCA[A>G]TTCCACGCAACCATTCCAAGTCAGCCTTGTAAACATTCTGTGAAAACAGGGCCAGAATGA-3'
Protein context (NP_001157980.2, residues 5813-5833): YKADLEWLRG[Ile5823Thr]GWMPNDSVSV